The following is an entry in ClinVar:

ClinVar aggregate classification (germline): Uncertain significance (1 of 4 stars; one submission).

Conditions:
Autosomal recessive limb-girdle muscular dystrophy type 2J (LGMDR10). Also called: Limb-girdle muscular dystrophy, type 2J; MUSCULAR DYSTROPHY, LIMB-GIRDLE, AUTOSOMAL RECESSIVE 10. Identifiers: Orphanet 140922, MedGen C1837342, MONDO:0012127, OMIM 608807.
Dilated cardiomyopathy 1G (CMD1G). Identifiers: Orphanet 154, MedGen C1858763, MONDO:0011400, OMIM 604145.

gnomAD v4.1: 2 of 1,613,856 alleles (0.00012%); highest among the groups gnomAD compares: Admixed American, 0.0033%; no homozygotes.

Submission:

Labcorp Genetics (formerly Invitae), Labcorp
Classification: Uncertain significance for Dilated cardiomyopathy 1G; Autosomal recessive limb-girdle muscular dystrophy type 2J. Last evaluated: 2024-09-02. Review status: criteria provided, single submitter. Criteria: Invitae Variant Classification Sherloc (09022015). Collection method: clinical testing. Allele origin: germline.
Comment: This sequence change replaces threonine, which is neutral and polar, with serine, which is neutral and polar, at codon 33799 of the TTN protein (p.Thr33799Ser). This variant is present in population databases (rs759620516, gnomAD 0.003%). This variant has not been reported in the literature in individuals affected with TTN-related conditions. Experimental studies and prediction algorithms are not available or were not evaluated, and the functional significance of this variant is currently unknown. This variant is located in the M band of TTN (PMID: 25589632). Non-truncating variants in this region may be relevant for neuromuscular disorders, but have not been definitively shown to cause cardiomyopathy (PMID: 23975875). In summary, the available evidence is currently insufficient to determine the role of this variant in disease. Therefore, it has been classified as a Variant of Uncertain Significance.

Literature cited by the submitters: PubMed 25589632; PubMed 23975875.

NM_001267550.2(TTN):c.101396C>G (p.Thr33799Ser)

Genes: TTN (titin; minus strand), TTN-AS1 (TTN antisense RNA 1; plus strand). Cytogenetic location: 2q31.2.
Variant type: single nucleotide variant.
Coding change: c.101396C>G on transcript NM_001267550.2 (MANE Select); coding-DNA position 101396, C replaced by G.
Protein change: p.Thr33799Ser; replaces threonine 33799 with serine.
Molecular consequence: missense variant.
Genome position (GRCh38, 1-based): chr2:178,535,219, G>C on the plus strand (C>G on the coding strand, the complement: TTN is on the minus strand). VCF-style: chr2-178535219-G-C. GRCh37 (hg19) VCF-style: chr2-179399946-G-C.
Other names: c.96473C>G, p.Thr32158Ser (NM_001256850.1); c.74201C>G, p.Thr24734Ser (NM_003319.4); c.93692C>G, p.Thr31231Ser (NM_133378.4); c.74576C>G, p.Thr24859Ser (NM_133432.3); c.74777C>G, p.Thr24926Ser (NM_133437.4); short protein forms T24734S, T24859S, T24926S, T31231S, T32158S, T33799S.
Identifiers: ClinVar variation 3761531 (VCV003761531.2).